The following is an entry in ClinVar:

ClinVar aggregate classification (germline): Uncertain significance (1 of 4 stars; one submission).

Conditions:
Hereditary cancer-predisposing syndrome. Also called: Neoplastic Syndromes, Hereditary; Tumor predisposition; Hereditary neoplastic syndrome; Hereditary Cancer Syndrome. Identifiers: Orphanet 140162, MedGen C0027672, MeSH D009386, MONDO:0015356.

Submission:

Ambry Genetics
Classification: Uncertain significance for Hereditary cancer-predisposing syndrome. Last evaluated: 2026-07-02. Review status: criteria provided, single submitter. Criteria: Ambry Variant Classification Scheme 2023. Collection method: clinical testing. Allele origin: germline.
Comment: The p.D479E variant (also known as c.1437T>A), located in coding exon 10 of the CDH1 gene, results from a T to A substitution at nucleotide position 1437. The aspartic acid at codon 479 is replaced by glutamic acid, an amino acid with highly similar properties. This amino acid position is conserved. In addition, this alteration is predicted to be deleterious by in silico analysis. Based on the available evidence, the clinical significance of this variant remains unclear.

NM_004360.5(CDH1):c.1437T>A (p.Asp479Glu)

Gene: CDH1 (cadherin 1; plus strand). Cytogenetic location: 16q22.1.
Variant type: single nucleotide variant.
Coding change: c.1437T>A on transcript NM_004360.5 (MANE Select); coding-DNA position 1437, T replaced by A.
Protein change: p.Asp479Glu; replaces aspartic acid 479 with glutamic acid.
Molecular consequence: missense variant. On other transcripts: 5 prime UTR variant (2).
Genome position (GRCh38, 1-based): chr16:68,815,631, T>A. VCF-style: chr16-68815631-T-A. GRCh37 (hg19) VCF-style: chr16-68849534-T-A.
Other names: c.1254T>A, p.Asp418Glu (NM_001317184.2); c.-112T>A (NM_001317185.2); c.-383T>A (NM_001317186.2); short protein forms D418E, D479E.
Identifiers: ClinVar variation 5033858 (VCV005033858.1).